The following is an entry in ClinVar:

NM_001378969.1(KCND3):c.1873C>T (p.Pro625Ser)

Gene: KCND3 (potassium voltage-gated channel subfamily D member 3; minus strand). Cytogenetic location: 1p13.2.
Variant type: single nucleotide variant.
Coding change: c.1873C>T on transcript NM_001378969.1 (MANE Select); coding-DNA position 1873, C replaced by T.
Protein change: p.Pro625Ser; replaces proline 625 with serine.
Molecular consequence: missense variant.
Genome position (GRCh38, 1-based): chr1:111,776,172, G>A on the plus strand (C>T on the coding strand, the complement: KCND3 is on the minus strand). VCF-style: chr1-111776172-G-A. GRCh37 (hg19) VCF-style: chr1-112318794-G-A.
Other names: c.1873C>T (NM_004980.4); c.1816C>T, p.Pro606Ser (NM_001378970.1, NM_172198.3); c.1873C>T, p.Pro625Ser (NM_004980.5); short protein forms P625S, P606S.
Identifiers: ClinVar variation 1375980 (VCV001375980.7), dbSNP rs2101452061, ClinGen allele CA341655269.

ClinVar aggregate classification (germline): Uncertain significance. Review status: criteria provided, multiple submitters, no conflicts (2 of 4 stars). 2 submissions from 2 submitters: Uncertain significance (2). Last evaluated 2022-08-16.

Conditions:
Cardiovascular phenotype. Identifiers: MedGen CN230736.
Spinocerebellar ataxia type 19/22 (SCA19). Also called: SPINOCEREBELLAR ATAXIA 22; SPINOCEREBELLAR ATAXIA 19. Identifiers: Orphanet 98772, MedGen C1846367, MONDO:0011819, OMIM 607346.

Allele frequency attached by ClinVar (database versions not stated): gnomAD exomes below 0.00001.
gnomAD v4.1: 1 of 1,614,212 alleles (0.000062%); highest among the groups gnomAD compares: Middle Eastern, 0.016%; no homozygotes.

Submissions (2):

Labcorp Genetics (formerly Invitae), Labcorp
Classification: Uncertain significance for Spinocerebellar ataxia type 19/22. Last evaluated: 2022-08-16. Review status: criteria provided, single submitter. Criteria: Invitae Variant Classification Sherloc (09022015). Collection method: clinical testing. Allele origin: germline.
Comment: Algorithms developed to predict the effect of missense changes on protein structure and function are either unavailable or do not agree on the potential impact of this missense change (SIFT: "Tolerated"; PolyPhen-2: "Possibly Damaging"; Align-GVGD: "Class C0"). In summary, the available evidence is currently insufficient to determine the role of this variant in disease. Therefore, it has been classified as a Variant of Uncertain Significance. ClinVar contains an entry for this variant (Variation ID: 1375980). This variant has not been reported in the literature in individuals affected with KCND3-related conditions. This variant is not present in population databases (gnomAD no frequency). This sequence change replaces proline, which is neutral and non-polar, with serine, which is neutral and polar, at codon 625 of the KCND3 protein (p.Pro625Ser).

Ambry Genetics
Classification: Uncertain significance for Cardiovascular phenotype. Last evaluated: 2022-02-08. Review status: criteria provided, single submitter. Criteria: Ambry Variant Classification Scheme 2023. Collection method: clinical testing. Allele origin: germline.